The following is an entry in ClinVar:

ClinVar aggregate classification (germline): Conflicting classifications of pathogenicity. Review status: criteria provided, conflicting classifications (1 of 4 stars). 2 submissions from 2 submitters: Likely pathogenic (1); Uncertain significance (1). Last evaluated 2025-07-20.

Conditions:
X-linked lymphoproliferative disease due to XIAP deficiency. Also called: XIAP DEFICIENCY; XIAP-Related Lymphoproliferative Disease, X-Linked. Identifiers: Orphanet 2442, Orphanet 538934, MedGen C1845076, MONDO:0010385, OMIM 300635.

Submissions (2):

Labcorp Genetics (formerly Invitae), Labcorp
Classification: Uncertain significance for X-linked lymphoproliferative disease due to XIAP deficiency. Last evaluated: 2025-07-20. Review status: criteria provided, single submitter. Criteria: Invitae Variant Classification Sherloc (09022015). Collection method: clinical testing. Allele origin: germline.
Comment: This sequence change replaces proline, which is neutral and non-polar, with leucine, which is neutral and non-polar, at codon 181 of the XIAP protein (p.Pro181Leu). This variant is not present in population databases (gnomAD no frequency). This variant has not been reported in the literature in individuals affected with XIAP-related conditions. ClinVar contains an entry for this variant (Variation ID: 3068467). Invitae Evidence Modeling of protein sequence and biophysical properties (such as structural, functional, and spatial information, amino acid conservation, physicochemical variation, residue mobility, and thermodynamic stability) has been performed for this missense variant. However, the output from this modeling did not meet the statistical confidence thresholds required to predict the impact of this variant on XIAP protein function. In summary, the available evidence is currently insufficient to determine the role of this variant in disease. Therefore, it has been classified as a Variant of Uncertain Significance.

Institute of Human Genetics, University of Leipzig Medical Center
Classification: Likely pathogenic for X-linked lymphoproliferative disease due to XIAP deficiency. Last evaluated: 2024-03-20. Review status: criteria provided, single submitter. Criteria: ACMG Guidelines, 2015. Collection method: clinical testing. Allele origin: unknown. Inheritance: X-linked recessive inheritance. Affected: yes.
Comment: Criteria applied: PM2,PP3,PP4_STR

NM_001167.4(XIAP):c.542C>T (p.Pro181Leu)

Gene: XIAP (X-linked inhibitor of apoptosis; plus strand). Cytogenetic location: Xq25.
Variant type: single nucleotide variant.
Coding change: c.542C>T on transcript NM_001167.4 (MANE Select); coding-DNA position 542, C replaced by T.
Protein change: p.Pro181Leu; replaces proline 181 with leucine.
Molecular consequence: missense variant.
Genome position (GRCh38, 1-based): chrX:123,886,204, C>T. VCF-style: chrX-123886204-C-T. GRCh37 (hg19) VCF-style: chrX-123020054-C-T.
Other names: c.542C>T, p.Pro181Leu (NM_001204401.2, NM_001378590.1, NM_001378591.1 and 1 more transcripts); short protein forms P181L.
Identifiers: ClinVar variation 3068467 (VCV003068467.5), dbSNP rs2522585616, ClinGen allele CA414123908.
Genomic context (GRCh38, chrX:123,886,204, plus strand): 5'-ATAGTGAAGAAGCTAGATTAAAGTCCTTTCAGAACTGGCCAGACTATGCTCACCTAACCC[C>T]AAGAGAGTTAGCAAGTGCTGGACTCTACTACACAGGTATTGGTGACCAAGTGCAGTGCTT-3'
Protein context (NP_001158.2, residues 171-191): QNWPDYAHLT[Pro181Leu]RELASAGLYY